The following is an entry in ClinVar:

ClinVar aggregate classification (germline): Uncertain significance (1 of 4 stars; one submission).

Conditions:
Werner syndrome (WRN). Identifiers: Orphanet 902, MedGen C0043119, MONDO:0010196, OMIM 277700.

Allele frequency attached by ClinVar (database versions not stated): gnomAD exomes below 0.00001; TOPMed below 0.00001; ExAC 0.00001.
gnomAD v4.1: 1 of 1,613,100 alleles (0.000062%); highest among the groups gnomAD compares: African/African-American, 0.0013%; no homozygotes.

Submission:

Labcorp Genetics (formerly Invitae), Labcorp
Classification: Uncertain significance for Werner syndrome. Last evaluated: 2023-10-03. Review status: criteria provided, single submitter. Criteria: Invitae Variant Classification Sherloc (09022015). Collection method: clinical testing. Allele origin: germline.
Comment: This sequence change replaces proline, which is neutral and non-polar, with leucine, which is neutral and non-polar, at codon 1340 of the WRN protein (p.Pro1340Leu). This variant is present in population databases (rs768974963, gnomAD 0.007%). This variant has not been reported in the literature in individuals affected with WRN-related conditions. ClinVar contains an entry for this variant (Variation ID: 2144125). An algorithm developed to predict the effect of missense changes on protein structure and function (PolyPhen-2) suggests that this variant is likely to be disruptive. In summary, the available evidence is currently insufficient to determine the role of this variant in disease. Therefore, it has been classified as a Variant of Uncertain Significance.

NM_000553.6(WRN):c.4019C>T (p.Pro1340Leu)

Gene: WRN (WRN RecQ like helicase; plus strand). Cytogenetic location: 8p12.
Variant type: single nucleotide variant.
Coding change: c.4019C>T on transcript NM_000553.6 (MANE Select); coding-DNA position 4019, C replaced by T.
Protein change: p.Pro1340Leu; replaces proline 1340 with leucine.
Molecular consequence: missense variant.
Genome position (GRCh38, 1-based): chr8:31,167,058, C>T. VCF-style: chr8-31167058-C-T. GRCh37 (hg19) VCF-style: chr8-31024574-C-T.
Other names: short protein forms P1340L.
Identifiers: ClinVar variation 2144125 (VCV002144125.4), dbSNP rs768974963, ClinGen allele CA4705244.